The following is an entry in ClinVar:

ClinVar aggregate classification (germline): Conflicting classifications of pathogenicity. Review status: criteria provided, conflicting classifications (1 of 4 stars). 6 submissions from 6 submitters: Uncertain significance (4); Likely benign (2). Last evaluated 2026-07-01.

Conditions:
Hereditary breast ovarian cancer syndrome. Also called: Hereditary breast and ovarian cancer; Hereditary breast and ovarian cancer syndrome (HBOC); Hereditary breast and/or ovarian cancer syndrome; Breast and ovarian cancer; BRCA1- and BRCA2-Associated Hereditary Breast and Ovarian Cancer; Hereditary breast and ovarian cancer syndrome. Identifiers: Orphanet 145, MedGen C0677776, MeSH D061325, MONDO:0003582. Disease mechanism: loss of function.
Hereditary cancer-predisposing syndrome. Also called: Neoplastic Syndromes, Hereditary; Tumor predisposition; Hereditary neoplastic syndrome; Hereditary Cancer Syndrome. Identifiers: Orphanet 140162, MedGen C0027672, MeSH D009386, MONDO:0015356.

gnomAD v4.1: 2 of 1,614,064 alleles (0.00012%); highest among the groups gnomAD compares: Non-Finnish European, 0.00017%; no homozygotes.

Submissions (6):

Catlab - Consorci Sanitari de Terrassa
Classification: Likely benign for Hereditary cancer-predisposing syndrome. Last evaluated: 2026-07-01. Review status: criteria provided, single submitter. Criteria: ClinGen BRCA1BRCA2 ACMG Specifications BRCA1 V1.2.0. Collection method: clinical testing. Allele origin: germline.
Comment: Based on the currently available information, this variant is classified as Likely Benign according to ClinGen-BRCA1 v1.2.0 guidelines. ACMG criteria: PM2_supp, BP1_strong (point system classification).

Labcorp Genetics (formerly Invitae), Labcorp
Classification: Uncertain significance for Hereditary breast ovarian cancer syndrome. Last evaluated: 2025-06-18. Review status: criteria provided, single submitter. Criteria: Invitae Variant Classification Sherloc (09022015). Collection method: clinical testing. Allele origin: germline.
Comment: This sequence change replaces leucine, which is neutral and non-polar, with glutamine, which is neutral and polar, at codon 998 of the BRCA1 protein (p.Leu998Gln). This variant is not present in population databases (gnomAD no frequency). This missense change has been observed in individual(s) with clinical features of HBOC syndrome (PMID: 24916970). ClinVar contains an entry for this variant (Variation ID: 628929). Invitae Evidence Modeling of protein sequence and biophysical properties (such as structural, functional, and spatial information, amino acid conservation, physicochemical variation, residue mobility, and thermodynamic stability) indicates that this missense variant is not expected to disrupt BRCA1 protein function with a negative predictive value of 80%. In summary, the available evidence is currently insufficient to determine the role of this variant in disease. Therefore, it has been classified as a Variant of Uncertain Significance.

Center for Genomic Medicine, Rigshospitalet, Copenhagen University Hospital
Classification: Uncertain significance. Last evaluated: 2025-03-04. Review status: criteria provided, single submitter. Criteria: ACMG Guidelines, 2015. Collection method: clinical testing. Allele origin: germline.

Ambry Genetics
Classification: Uncertain significance for Hereditary cancer-predisposing syndrome. Last evaluated: 2024-01-07. Review status: criteria provided, single submitter. Criteria: Ambry Variant Classification Scheme 2023. Collection method: clinical testing. Allele origin: germline.
Comment: The p.L998Q variant (also known as c.2993T>A), located in coding exon 9 of the BRCA1 gene, results from a T to A substitution at nucleotide position 2993. The leucine at codon 998 is replaced by glutamine, an amino acid with dissimilar properties. This alteration has been reported as a variant of unknown significance in 1 of 1050 Portuguese breast/ovarian cancer families (Peixoto A et al. Clin Genet, 2015 Jul;88:41-8). This amino acid position is not well conserved in available vertebrate species. In addition, the in silico prediction for this alteration is inconclusive. Since supporting evidence is limited at this time, the clinical significance of this alteration remains unclear.

University of Washington Department of Laboratory Medicine, University of Washington
Classification: Likely benign for Hereditary cancer-predisposing syndrome. Last evaluated: 2023-03-23. Review status: criteria provided, single submitter. Criteria: Dines et al. (Genet Med. 2020). Collection method: curation. Allele origin: germline.
Comment: Missense variant in a coldspot region where missense variants are very unlikely to be pathogenic (PMID:31911673).

BRCA1 coldspot (exon 11 using historical exon numbering). Reclassification based on statistical prior probability

Color Diagnostics, LLC DBA Color Health
Classification: Uncertain significance for Hereditary cancer-predisposing syndrome. Last evaluated: 2019-04-06. Review status: criteria provided, single submitter. Criteria: ACMG Guidelines, 2015. Collection method: clinical testing. Allele origin: germline.

Literature cited by the submitters: PubMed 24916970 (cited by 3 submitters).

NM_007294.4(BRCA1):c.2993T>A (p.Leu998Gln)

Gene: BRCA1 (BRCA1 DNA repair associated; minus strand). Cytogenetic location: 17q21.31.
Variant type: single nucleotide variant.
Coding change: c.2993T>A on transcript NM_007294.4 (MANE Select); coding-DNA position 2993, T replaced by A.
Protein change: p.Leu998Gln; replaces leucine 998 with glutamine.
Molecular consequence: missense variant. On other transcripts: intron variant (137).
Genome position (GRCh38, 1-based): chr17:43,092,538, A>T on the plus strand (T>A on the coding strand, the complement: BRCA1 is on the minus strand). VCF-style: chr17-43092538-A-T. GRCh37 (hg19) VCF-style: chr17-41244555-A-T.
Other names: c.2780T>A, p.Leu927Gln (NM_001407571.1, NM_001407915.1, NM_001407916.1 and 9 more transcripts); c.2993T>A, p.Leu998Gln (NM_001407581.1, NM_001407582.1, NM_001407583.1 and 30 more transcripts); c.2990T>A, p.Leu997Gln (NM_001407587.1, NM_001407590.1, NM_001407591.1 and 22 more transcripts); c.2915T>A, p.Leu972Gln (NM_001407653.1, NM_001407654.1, NM_001407655.1 and 4 more transcripts); c.2912T>A, p.Leu971Gln (NM_001407659.1, NM_001407660.1, NM_001407661.1 and 1 more transcripts); c.2867T>A, p.Leu956Gln (NM_001407671.1, NM_001407672.1, NM_001407673.1 and 11 more transcripts); c.2870T>A, p.Leu957Gln (NM_001407674.1, NM_001407675.1, NM_001407676.1 and 19 more transcripts); c.2852T>A, p.Leu951Gln (NM_001407692.1, NM_001407694.1, NM_001407695.1 and 29 more transcripts); and 41 more; short protein forms L998Q, L951Q, L870Q, L886Q, L997Q, L830Q, L887Q, L909Q.
Identifiers: ClinVar variation 628929 (VCV000628929.19), dbSNP rs1567793330, ClinGen allele CA10596010.